The following is an entry in ClinVar:

ClinVar aggregate classification (germline): Pathogenic. Review status: criteria provided, multiple submitters, no conflicts (2 of 4 stars). 3 submissions from 3 submitters: Pathogenic (2). 1 of the submissions does not count toward it. Last evaluated 2025-08-13.

Conditions:
Congenital nephrotic syndrome. Also called: Familial nephrotic syndrome. Identifiers: MedGen C3501848, MeSH C535761, MONDO:0002350, HP:0008677.
Finnish congenital nephrotic syndrome (NPHS1). Also called: NEPHROTIC SYNDROME, TYPE 1. Identifiers: Orphanet 839, MedGen C0403399, MONDO:0009732, OMIM 256300.

gnomAD v4.1: 18 of 1,602,486 alleles (0.0011%); highest among the groups gnomAD compares: Non-Finnish European, 0.0015%; no homozygotes.

Submissions (3):

Natera, Inc.
Classification: Pathogenic for Finnish congenital nephrotic syndrome. Last evaluated: 2025-08-13. Review status: criteria provided, single submitter. Criteria: Natera Variant Classification Schema (03/2026). Collection method: clinical testing. Allele origin: germline.
Comment: The c.2663+2T>A variant in NPHS1 is a canonical splice donor site variant predicted to affect pre-mRNA splicing, which may result in an abnormal transcript and altered protein product. This variant is expected to result in nonsense mediated decay, truncation, or a dysfunctional protein product. This variant is rare in the general population with a frequency below the threshold expected for the associated phenotype(s). This variant has been observed in one or more individuals affected with the associated recessive disease, as either homozygous or compound heterozygous with a second variant (PMID: 32581362). Given the available evidence, this variant is classified as Pathogenic.

Labcorp Genetics (formerly Invitae), Labcorp
Classification: Pathogenic. Last evaluated: 2024-01-21. Review status: criteria provided, single submitter. Criteria: Invitae Variant Classification Sherloc (09022015). Collection method: clinical testing. Allele origin: germline.
Comment: This sequence change affects a donor splice site in intron 19 of the NPHS1 gene. It is expected to disrupt RNA splicing. Variants that disrupt the donor or acceptor splice site typically lead to a loss of protein function (PMID: 16199547), and loss-of-function variants in NPHS1 are known to be pathogenic (PMID: 11317351, 11854170, 12039988). This variant is not present in population databases (gnomAD no frequency). Disruption of this splice site has been observed in individuals with congenital nephrotic syndrome and/or NPHS1-related conditions (PMID: 32581362; Invitae). ClinVar contains an entry for this variant (Variation ID: 812905). Algorithms developed to predict the effect of sequence changes on RNA splicing suggest that this variant may disrupt the consensus splice site. For these reasons, this variant has been classified as Pathogenic.

NIHR Bioresource Rare Diseases, University of Cambridge
Classification: Likely pathogenic for Congenital nephrotic syndrome. Review status: no assertion criteria provided. Collection method: research. Allele origin: unknown. Affected: yes. Observed: 1 variant allele. Not counted in ClinVar's aggregate classification.

Literature cited by the submitters: PubMed 32581362 (cited by 3 submitters); PubMed 16199547 (cited by Labcorp Genetics (formerly Invitae), Labcorp); PubMed 11317351 (cited by Labcorp Genetics (formerly Invitae), Labcorp); PubMed 11854170 (cited by Labcorp Genetics (formerly Invitae), Labcorp); PubMed 12039988 (cited by Labcorp Genetics (formerly Invitae), Labcorp).

NM_004646.4(NPHS1):c.2663+2T>A

Gene: NPHS1 (NPHS1 adhesion molecule, nephrin; minus strand). Cytogenetic location: 19q13.12.
Variant type: single nucleotide variant.
Coding change: c.2663+2T>A on transcript NM_004646.4 (MANE Select); the canonical splice donor site of the intron after coding-DNA position 2663, T replaced by A.
Molecular consequence: splice donor variant.
Genome position (GRCh38, 1-based): chr19:35,842,122, A>T on the plus strand (T>A on the coding strand, the complement: NPHS1 is on the minus strand). VCF-style: chr19-35842122-A-T. GRCh37 (hg19) VCF-style: chr19-36333024-A-T.
Identifiers: ClinVar variation 812905 (VCV000812905.12), dbSNP rs762392183, ClinGen allele CA307782102.
Genomic context (GRCh38, chr19:35,842,122, plus strand): 5'-GGAAGTGGGGCTGGAGGTCCAGACCTGGGGCTGGAGTGCTGCCTGGCTGGGCTTGGGCTC[A>T]CCTGGGATCTTGGAGATCCAGAGGGACCCCGTTTTTTGTCCAAGTGAAAACGATGTTGGG-3'